The following is an entry in ClinVar:

NM_000038.6(APC):c.835-1028A>C

Gene: APC (APC regulator of WNT signaling pathway; plus strand). Cytogenetic location: 5q22.2.
Variant type: single nucleotide variant.
Coding change: c.835-1028A>C on transcript NM_000038.6 (MANE Select); 1028 bases into the intron before coding-DNA position 835, A replaced by C.
Molecular consequence: intron variant.
Genome position (GRCh38, 1-based): chr5:112,814,467, A>C. VCF-style: chr5-112814467-A-C. GRCh37 (hg19) VCF-style: chr5-112150164-A-C.
Other names: c.835-1028A>C (NM_001354895.2, NM_001127510.3, NM_001354896.2 and 1 more transcripts); c.865-1028A>C (NM_001354897.2, NM_001354902.2); c.781-1028A>C (NM_001127511.3); c.760-1028A>C (NM_001354898.2, NM_001354904.2); c.-15-1028A>C (NM_001354906.2); c.751-1028A>C (NM_001354899.2); c.658-1028A>C (NM_001354900.2, NM_001354901.2, NM_001354905.2).
Identifiers: ClinVar variation 82553 (VCV000082553.2), dbSNP rs79113455, ClinGen allele CA015059.

ClinVar aggregate classification (germline): other (0 of 4 stars; one submission).

Conditions:
Familial colorectal cancer. Identifiers: MedGen CN280943, MONDO:0023113. Disease mechanism: loss of function.

Submission:

Systems Biology Platform Zhejiang California International NanoSystems Institute
Classification: other for Familial colorectal cancer. Review status: no assertion criteria provided. Collection method: not provided. Allele origin: unknown.
ClinVar note: Converted during submission from cancer to other.